The following is an entry in ClinVar:

ClinVar aggregate classification (germline): Benign. Review status: criteria provided, multiple submitters, no conflicts (2 of 4 stars). 10 submissions from 10 submitters: Benign (8). 2 of the submissions do not count toward it. Last evaluated 2026-02-04.

Conditions:
Osteogenesis imperfecta type 10 (OI10). Also called: OI, TYPE X. Identifiers: Orphanet 666, MedGen C3151211, MONDO:0013459, OMIM 613848.

Allele frequency attached by ClinVar (database versions not stated): 1000 Genomes Project 30x 0.29669; 1000 Genomes Project 0.29932; TOPMed 0.38883; gnomAD 0.39991 and 0.40105; ESP Exome Variant Server 0.42570; gnomAD exomes 0.43612 and 0.51588; ExAC 0.43999.

Submissions (10):

Labcorp Genetics (formerly Invitae), Labcorp
Classification: Benign. Last evaluated: 2026-02-04. Review status: criteria provided, single submitter. Criteria: Invitae Variant Classification Sherloc (09022015). Collection method: clinical testing. Allele origin: germline.

ARUP Laboratories, Molecular Genetics and Genomics, ARUP Laboratories
Classification: Benign. Last evaluated: 2025-07-24. Review status: criteria provided, single submitter. Criteria: ARUP Molecular Germline Variant Investigation Process 2024. Collection method: clinical testing. Allele origin: germline.

Blueprint Genetics
Classification: Benign. Last evaluated: 2024-11-27. Review status: criteria provided, single submitter. Criteria: ACMG Guidelines, 2015. Collection method: clinical testing. Allele origin: germline.

Mayo Clinic Laboratories, Mayo Clinic
Classification: Benign. Last evaluated: 2022-04-26. Review status: criteria provided, single submitter. Criteria: ACMG Guidelines, 2015. Collection method: clinical testing. Allele origin: germline. Observed: 101 variant alleles.

Genome-Nilou Lab
Classification: Benign for Osteogenesis imperfecta type 10. Last evaluated: 2021-07-15. Review status: criteria provided, single submitter. Criteria: ACMG Guidelines, 2015. Collection method: clinical testing. Allele origin: germline. Affected: no.

Illumina Laboratory Services, Illumina
Classification: Benign for Osteogenesis imperfecta type 10. Last evaluated: 2018-01-13. Review status: criteria provided, single submitter. Criteria: ICSL Variant Classification Criteria 13 December 2019. Collection method: clinical testing. Allele origin: germline.
Comment: This variant was observed in the ICSL laboratory as part of a predisposition screen in an ostensibly healthy population. It had not been previously curated by ICSL or reported in the Human Gene Mutation Database (HGMD: prior to June 1st, 2018), and was therefore a candidate for classification through an automated scoring system. Utilizing variant allele frequency, disease prevalence and penetrance estimates, and inheritance mode, an automated score was calculated to assess if this variant is too frequent to cause the disease. Based on the score and internal cut-off values, a variant classified as benign is not then subjected to further curation. The score for this variant resulted in a classification of benign for this disease.

GeneDx
Classification: Benign. Last evaluated: 2017-06-09. Review status: criteria provided, single submitter. Criteria: GeneDx Variant Classification (06012015). Collection method: clinical testing. Allele origin: germline. Affected: yes.
Comment: This variant is considered likely benign or benign based on one or more of the following criteria: it is a conservative change, it occurs at a poorly conserved position in the protein, it is predicted to be benign by multiple in silico algorithms, and/or has population frequency not consistent with disease.

Breakthrough Genomics
Classification: Benign. Review status: criteria provided, single submitter. Criteria: ACMG Guidelines, 2015. Collection method: not provided. Allele origin: germline. Inheritance: Multifactorial inheritance. Affected: yes.

Diagnostic Laboratory, Department of Genetics, University Medical Center Groningen
Classification: Benign. Review status: no assertion criteria provided. Collection method: clinical testing. Allele origin: germline. Affected: yes. Study: VKGL Data-share Consensus. Not counted in ClinVar's aggregate classification.

Genome Diagnostics Laboratory, Amsterdam University Medical Center
Classification: Benign. Review status: no assertion criteria provided. Collection method: clinical testing. Allele origin: germline. Affected: yes. Study: VKGL Data-share Consensus. Not counted in ClinVar's aggregate classification.

NM_001235.5(SERPINH1):c.598C>T (p.Leu200=)

Gene: SERPINH1 (serpin family H member 1; plus strand). Cytogenetic location: 11q13.5.
Variant type: single nucleotide variant.
Coding change: c.598C>T on transcript NM_001235.5 (MANE Select); coding-DNA position 598, C replaced by T.
Protein change: p.Leu200=; no amino-acid change (leucine 200 retained).
Molecular consequence: synonymous variant.
Genome position (GRCh38, 1-based): chr11:75,566,947, C>T. VCF-style: chr11-75566947-C-T. GRCh37 (hg19) VCF-style: chr11-75277992-C-T.
Other names: p.Leu200=; c.598C>T, p.Leu200= (NM_001207014.3); c.598C>T (NM_001235.4).
Identifiers: ClinVar variation 306105 (VCV000306105.36), dbSNP rs651581, ClinGen allele CA6190850.
Genomic context (GRCh38, chr11:75,566,947, plus strand): 5'-ACCACCGACGGCAAGCTGCCCGAGGTCACCAAGGACGTGGAGCGCACGGACGGCGCCCTG[C>T]TAGTCAACGCCATGTTCTTCAAGCGTGAGTCGGGGGCGCGTTCAGGGGTCCTCCTCCTCC-3'
Protein context (NP_001226.2, residues 190-210): KDVERTDGAL[Leu200=]VNAMFFKPHW